The following is an entry in ClinVar:

NM_003002.4(SDHD):c.139C>T (p.Gln47Ter)

Gene: SDHD (succinate dehydrogenase complex subunit D; plus strand). Cytogenetic location: 11q23.1.
Variant type: single nucleotide variant.
Coding change: c.139C>T on transcript NM_003002.4 (MANE Select); coding-DNA position 139, C replaced by T.
Protein change: p.Gln47Ter; replaces glutamine 47 with a stop codon.
Molecular consequence: nonsense. On other transcripts: non-coding transcript variant (1), intron variant (1).
Genome position (GRCh38, 1-based): chr11:112,087,943, C>T. VCF-style: chr11-112087943-C-T. GRCh37 (hg19) VCF-style: chr11-111958667-C-T.
Other names: c.139C>T, p.Gln47Ter (NM_001276503.2, NM_001276506.2); c.53-924C>T (NM_001276504.2); short protein forms Q47*.
Identifiers: ClinVar variation 959874 (VCV000959874.16), dbSNP rs1865655722, ClinGen allele CA382617069.

ClinVar aggregate classification (germline): Pathogenic. Review status: criteria provided, multiple submitters, no conflicts (2 of 4 stars). 2 submissions from 2 submitters: Pathogenic (2). Last evaluated 2022-01-07.

Conditions:
Carney-Stratakis syndrome. Also called: PARAGANGLIOMA AND GASTROINTESTINAL STROMAL TUMOR. Identifiers: Orphanet 97286, MedGen C1847319, MONDO:0011740, OMIM 606864.
Pheochromocytoma. Also called: MAX-Related Hereditary Paraganglioma-Pheochromocytoma Syndrome. Identifiers: Orphanet 29072, MedGen C0031511, MONDO:0008233, OMIM 171300, HP:0002666.
Paragangliomas with sensorineural hearing loss. Identifiers: MedGen C1868633.
Cowden syndrome 3 (CWS3). Identifiers: Orphanet 201, MedGen CN166604, MONDO:0014045.

Submissions (2):

GeneDx
Classification: Pathogenic. Last evaluated: 2022-01-07. Review status: criteria provided, single submitter. Criteria: GeneDx Variant Classification Process June 2021. Collection method: clinical testing. Allele origin: germline. Affected: yes.
Comment: Nonsense variant predicted to result in protein truncation or nonsense mediated decay in a gene for which loss-of-function is a known mechanism of disease; Not observed at significant frequency in large population cohorts (gnomAD); This variant is associated with the following publications: (PMID: 25525159, 22517557, 19454582, 31492822)

Labcorp Genetics (formerly Invitae), Labcorp
Classification: Pathogenic for Carney-Stratakis syndrome; Paragangliomas with sensorineural hearing loss; Pheochromocytoma; Cowden syndrome 3. Last evaluated: 2020-12-04. Review status: criteria provided, single submitter. Criteria: Invitae Variant Classification Sherloc (09022015). Collection method: clinical testing. Allele origin: germline.
Comment: This sequence change creates a premature translational stop signal (p.Gln47*) in the SDHD gene. It is expected to result in an absent or disrupted protein product. Loss-of-function variants in SDHD are known to be pathogenic (PMID: 19454582, 19802898). This variant is not present in population databases (ExAC no frequency). This variant has been observed in individual(s) with paraganglioma(s) (PMID: 19454582, Invitae). ClinVar contains an entry for this variant (Variation ID: 959874). For these reasons, this variant has been classified as Pathogenic.

Literature cited by the submitters: PubMed 19454582 (cited by Labcorp Genetics (formerly Invitae), Labcorp); PubMed 19802898 (cited by Labcorp Genetics (formerly Invitae), Labcorp).